The following is an entry in ClinVar:

ClinVar aggregate classification (germline): Conflicting classifications of pathogenicity. Review status: criteria provided, conflicting classifications (1 of 4 stars). 2 submissions from 2 submitters: Uncertain significance (1); Likely benign (1). Last evaluated 2026-08-01.

Allele frequency attached by ClinVar (database versions not stated): ExAC 0.00002; TOPMed 0.00004; gnomAD 0.00005; gnomAD exomes 0.00006.
gnomAD v4.1: 93 of 1,613,628 alleles (0.0058%); highest among the groups gnomAD compares: Non-Finnish European, 0.0075%; no homozygotes.

Submissions (2):

CeGaT Center for Human Genetics Tuebingen
Classification: Likely benign. Last evaluated: 2026-08-01. Review status: criteria provided, single submitter. Criteria: CeGaT Center For Human Genetics Tuebingen Variant Classification Criteria Version 2. Collection method: clinical testing. Allele origin: germline. Affected: yes. Observed: 2 variant alleles.
Comment: GPRC5B: BP4

Ambry Genetics
Classification: Uncertain significance. Last evaluated: 2021-09-01. Review status: criteria provided, single submitter. Criteria: Ambry Variant Classification Scheme 2023. Collection method: clinical testing. Allele origin: germline.

NM_016235.3(GPRC5B):c.38A>G (p.Gln13Arg)

Gene: GPRC5B (G protein-coupled receptor class C group 5 member B; minus strand). Cytogenetic location: 16p12.3.
Variant type: single nucleotide variant.
Coding change: c.38A>G on transcript NM_016235.3 (MANE Select); coding-DNA position 38, A replaced by G.
Protein change: p.Gln13Arg; replaces glutamine 13 with arginine.
Molecular consequence: missense variant.
Genome position (GRCh38, 1-based): chr16:19,872,808, T>C on the plus strand (A>G on the coding strand, the complement: GPRC5B is on the minus strand). VCF-style: chr16-19872808-T-C. GRCh37 (hg19) VCF-style: chr16-19884130-T-C.
Other names: c.431A>G, p.Gln144Arg (NM_001304771.1); short protein forms Q13R, Q144R.
Identifiers: ClinVar variation 2229276 (VCV002229276.4), dbSNP rs776782115, ClinGen allele CA7938189.